The following is an entry in ClinVar:

NM_172240.3(POC1B):c.379A>G (p.Lys127Glu)

Genes: POC1B (POC1 centriolar protein B; minus strand), POC1B-DUSP6 (POC1B-DUSP6 readthrough; minus strand). Cytogenetic location: 12q21.33.
Variant type: single nucleotide variant.
Coding change: c.379A>G on transcript NM_172240.3 (MANE Select); coding-DNA position 379, A replaced by G.
Protein change: p.Lys127Glu; replaces lysine 127 with glutamic acid.
Molecular consequence: missense variant. On other transcripts: non-coding transcript variant (2).
Genome position (GRCh38, 1-based): chr12:89,492,009, T>C on the plus strand (A>G on the coding strand, the complement: POC1B is on the minus strand). VCF-style: chr12-89492009-T-C. GRCh37 (hg19) VCF-style: chr12-89885786-T-C.
Other names: c.253A>G, p.Lys85Glu (NM_001199777.2); short protein forms K127E, K85E.
Identifiers: ClinVar variation 1349123 (VCV001349123.6), dbSNP rs1382039232, ClinGen allele CA385991768.

ClinVar aggregate classification (germline): Uncertain significance (1 of 4 stars; one submission).

Submission:

Labcorp Genetics (formerly Invitae), Labcorp
Classification: Uncertain significance. Last evaluated: 2021-04-02. Review status: criteria provided, single submitter. Criteria: Invitae Variant Classification Sherloc (09022015). Collection method: clinical testing. Allele origin: germline.
Comment: This variant has not been reported in the literature in individuals with POC1B-related conditions. In summary, the available evidence is currently insufficient to determine the role of this variant in disease. Therefore, it has been classified as a Variant of Uncertain Significance. Algorithms developed to predict the effect of missense changes on protein structure and function are either unavailable or do not agree on the potential impact of this missense change (SIFT: "Deleterious"; PolyPhen-2: "Probably Damaging"; Align-GVGD: "Class C0"). This variant is not present in population databases (ExAC no frequency). This sequence change replaces lysine with glutamic acid at codon 127 of the POC1B protein (p.Lys127Glu). The lysine residue is highly conserved and there is a small physicochemical difference between lysine and glutamic acid.